The following is an entry in ClinVar:

ClinVar aggregate classification (germline): Uncertain significance (1 of 4 stars; one submission).

Conditions:
Periodic fever-infantile enterocolitis-autoinflammatory syndrome. Also called: Autoinflammation with infantile enterocolitis. Identifiers: Orphanet 436166, MedGen C4015067, MONDO:0014472, OMIM 616050.
Familial cold autoinflammatory syndrome 4 (FCAS4). Identifiers: Orphanet 47045, Orphanet 576349, MedGen C4015276, MONDO:0014498, OMIM 616115.

Allele frequency attached by ClinVar (database versions not stated): ExAC 0.00001; gnomAD exomes 0.00001.
gnomAD v4.1: 3 of 1,584,848 alleles (0.00019%); highest among the groups gnomAD compares: Admixed American, 0.0017%; no homozygotes.

Submission:

Labcorp Genetics (formerly Invitae), Labcorp
Classification: Uncertain significance for Periodic fever-infantile enterocolitis-autoinflammatory syndrome; Familial cold autoinflammatory syndrome 4. Last evaluated: 2026-01-02. Review status: criteria provided, single submitter. Criteria: Invitae Variant Classification Sherloc (09022015). Collection method: clinical testing. Allele origin: germline.
Comment: This sequence change affects a donor splice site in intron 7 of the NLRC4 gene. It is expected to disrupt RNA splicing. Variants that disrupt the donor or acceptor splice site typically lead to a loss of protein function (PMID: 16199547), however the current clinical and genetic evidence is not sufficient to establish whether loss-of-function variants in NLRC4 cause disease. This variant is present in population databases (rs780894375, gnomAD 0.003%). This variant has not been reported in the literature in individuals affected with NLRC4-related conditions. ClinVar contains an entry for this variant (Variation ID: 1485487). Algorithms developed to predict the effect of sequence changes on RNA splicing suggest that this variant may disrupt the consensus splice site. In summary, the available evidence is currently insufficient to determine the role of this variant in disease. Therefore, it has been classified as a Variant of Uncertain Significance.

Literature cited by the submitters: PubMed 16199547.

NM_001199138.2(NLRC4):c.2614+1G>A

Gene: NLRC4 (NLR family CARD domain containing 4; minus strand). Cytogenetic location: 2p22.3.
Variant type: single nucleotide variant.
Coding change: c.2614+1G>A on transcript NM_001199138.2 (MANE Select); the canonical splice donor site of the intron after coding-DNA position 2614, G replaced by A.
Molecular consequence: splice donor variant.
Genome position (GRCh38, 1-based): chr2:32,236,246, C>T on the plus strand (G>A on the coding strand, the complement: NLRC4 is on the minus strand). VCF-style: chr2-32236246-C-T. GRCh37 (hg19) VCF-style: chr2-32461315-C-T.
Other names: c.619+1G>A (NM_001302504.1); c.2614+1G>A (NM_021209.4, NM_001199139.1).
Identifiers: ClinVar variation 1485487 (VCV001485487.6), dbSNP rs780894375, ClinGen allele CA1601763.